The following is an entry in ClinVar:

ClinVar aggregate classification (germline): Uncertain significance. Review status: criteria provided, multiple submitters, no conflicts (2 of 4 stars). 2 submissions from 2 submitters: Uncertain significance (2). Last evaluated 2025-10-14.

Conditions:
Ataxia-telangiectasia syndrome (AT). Also called: Ataxia-telangiectasia; LOUIS-BAR SYNDROME; Ataxia-telangiectasia, complementation group D; AT, COMPLEMENTATION GROUP C; ATAXIA-TELANGIECTASIA, COMPLEMENTATION GROUP A; ATAXIA-TELANGIECTASIA, FRESNO VARIANT. Identifiers: Orphanet 100, MedGen C0004135, MONDO:0008840, OMIM 208900.
Hereditary cancer-predisposing syndrome. Also called: Tumor predisposition; Neoplastic Syndromes, Hereditary; Hereditary Cancer Syndrome; Hereditary neoplastic syndrome. Identifiers: Orphanet 140162, MedGen C0027672, MeSH D009386, MONDO:0015356.

Submissions (2):

Ambry Genetics
Classification: Uncertain significance for Hereditary cancer-predisposing syndrome. Last evaluated: 2025-10-14. Review status: criteria provided, single submitter. Criteria: Ambry Variant Classification Scheme 2023. Collection method: clinical testing. Allele origin: germline.
Comment: The p.W2845L variant (also known as c.8534G>T), located in coding exon 57 of the ATM gene, results from a G to T substitution at nucleotide position 8534. The tryptophan at codon 2845 is replaced by leucine, an amino acid with similar properties. This amino acid position is highly conserved in available vertebrate species. In addition, this alteration is predicted to be deleterious by in silico analysis. Since supporting evidence is limited at this time, the clinical significance of this alteration remains unclear.

Labcorp Genetics (formerly Invitae), Labcorp
Classification: Uncertain significance for Ataxia-telangiectasia syndrome. Last evaluated: 2025-07-24. Review status: criteria provided, single submitter. Criteria: Invitae Variant Classification Sherloc (09022015). Collection method: clinical testing. Allele origin: germline.
Comment: This sequence change replaces tryptophan, which is neutral and slightly polar, with leucine, which is neutral and non-polar, at codon 2845 of the ATM protein (p.Trp2845Leu). This variant is not present in population databases (gnomAD no frequency). This variant has not been reported in the literature in individuals affected with ATM-related conditions. ClinVar contains an entry for this variant (Variation ID: 1394510). Invitae Evidence Modeling of protein sequence and biophysical properties (such as structural, functional, and spatial information, amino acid conservation, physicochemical variation, residue mobility, and thermodynamic stability) indicates that this missense variant is expected to disrupt ATM protein function with a positive predictive value of 95%. In summary, the available evidence is currently insufficient to determine the role of this variant in disease. Therefore, it has been classified as a Variant of Uncertain Significance.

NM_000051.4(ATM):c.8534G>T (p.Trp2845Leu)

Genes: ATM (ATM serine/threonine kinase; plus strand), C11orf65 (chromosome 11 open reading frame 65; minus strand). Cytogenetic location: 11q22.3.
Variant type: single nucleotide variant.
Coding change: c.8534G>T on transcript NM_000051.4 (MANE Select); coding-DNA position 8534, G replaced by T.
Protein change: p.Trp2845Leu; replaces tryptophan 2845 with leucine.
Molecular consequence: missense variant. On other transcripts: intron variant (2).
Genome position (GRCh38, 1-based): chr11:108,345,858, G>T. VCF-style: chr11-108345858-G-T. GRCh37 (hg19) VCF-style: chr11-108216585-G-T.
Other names: c.8534G>T, p.Trp2845Leu (NM_001351834.2); c.641-36787C>A (NM_001330368.2); c.695-10566C>A (NM_001351110.2); short protein forms W2845L.
Identifiers: ClinVar variation 1394510 (VCV001394510.7), dbSNP rs2137034202, ClinGen allele CA382518373.